The following is an entry in ClinVar:

NM_000059.4(BRCA2):c.5349_5351del (p.Lys1783del)

Gene: BRCA2 (BRCA2 DNA repair associated; plus strand). Cytogenetic location: 13q13.1.
Variant type: Deletion.
Coding change: c.5349_5351del on transcript NM_000059.4 (MANE Select); coding-DNA positions 5349 to 5351, 3 bases deleted (AAA; older notation c.5349_5351delAAA).
Protein change: p.Lys1783del; deletes lysine 1783.
Molecular consequence: inframe deletion.
Genome position (GRCh38, 1-based): chr13:32,339,704-32,339,706, AAA deleted; deleting any 3 consecutive bases within chr13:32,339,700-32,339,706 gives the same sequence; the c. name uses the placement nearest the transcript's 3' end. VCF-style (leftmost placement, unchanged base first): chr13-32339699-CAAA-C. GRCh37 (hg19) VCF-style: chr13-32913836-CAAA-C.
Other names: c.5349_5351delAAA (NM_000059.3); short protein forms K1783del.
Identifiers: ClinVar variation 441412 (VCV000441412.5), dbSNP rs80359507, ClinGen allele CA658653676.

ClinVar aggregate classification (germline): Uncertain significance (1 of 4 stars; one submission).

Conditions:
Hereditary cancer-predisposing syndrome. Also called: Hereditary Cancer Syndrome; Hereditary neoplastic syndrome; Neoplastic Syndromes, Hereditary; Tumor predisposition. Identifiers: Orphanet 140162, MedGen C0027672, MeSH D009386, MONDO:0015356.

Submission:

Ambry Genetics
Classification: Uncertain significance for Hereditary cancer-predisposing syndrome. Last evaluated: 2018-07-02. Review status: criteria provided, single submitter. Criteria: Ambry Variant Classification Scheme 2023. Collection method: clinical testing. Allele origin: germline.
Comment: The c.5349_5351delAAA variant (also known as p.K1783del) is located in coding exon 10 of the BRCA2 gene. This variant results from an in-frame AAA deletion at nucleotide positions 5349 to 5351. This results in the in-frame deletion of a lysine at codon 1783. This nucleotide region is well conserved in available vertebrate species. This amino acid position is well conserved in available vertebrate species. In addition, this alteration is predicted to be deleterious by in silico analysis (Choi Y et al., PLoS ONE 2012; 7(10):e46688). Since supporting evidence is limited at this time, the clinical significance of this alteration remains unclear.